The following is an entry in ClinVar:

ClinVar aggregate classification (germline): Uncertain significance (1 of 4 stars; one submission).

Allele frequency attached by ClinVar (database versions not stated): gnomAD 0.00001; TOPMed 0.00001.
gnomAD v4.1: 3 of 1,613,892 alleles (0.00019%); highest among the groups gnomAD compares: Non-Finnish European, 0.00025%; no homozygotes.

Submission:

Laboratory for Molecular Medicine, Mass General Brigham Personalized Medicine
Classification: Uncertain significance. Last evaluated: 2014-07-09. Review status: criteria provided, single submitter. Criteria: LMM Criteria. Collection method: clinical testing. Allele origin: germline. Observed: 2 variant alleles.
Comment: The 2302-3C>A variant in ACTN2 has not been previously reported in individuals w ith cardiomyopathy or in large population studies. This variant is located in th e 3' splice region. Computational tools suggest an possible impact to splicing. However, this information is not predictive enough to determine pathogenicity. I n summary, the clinical significance of the 2302-3C>A variant is uncertain.

NM_001103.4(ACTN2):c.2302-3C>A

Gene: ACTN2 (actinin alpha 2; plus strand). Cytogenetic location: 1q43.
Variant type: single nucleotide variant.
Coding change: c.2302-3C>A on transcript NM_001103.4 (MANE Select); 3 bases into the intron before coding-DNA position 2302, C replaced by A.
Molecular consequence: intron variant.
Genome position (GRCh38, 1-based): chr1:236,759,721, C>A. VCF-style: chr1-236759721-C-A. GRCh37 (hg19) VCF-style: chr1-236923021-C-A.
Other names: c.1678-3C>A (NM_001278344.2); c.2302-3C>A (NM_001278343.2).
Identifiers: ClinVar variation 179856 (VCV000179856.4), dbSNP rs727505174, ClinGen allele CA185281.